The following is an entry in ClinVar:

NM_015192.4(PLCB1):c.1408T>C (p.Ser470Pro)

Gene: PLCB1 (phospholipase C beta 1; plus strand). Cytogenetic location: 20p12.3.
Variant type: single nucleotide variant.
Coding change: c.1408T>C on transcript NM_015192.4 (MANE Select); coding-DNA position 1408, T replaced by C.
Protein change: p.Ser470Pro; replaces serine 470 with proline.
Molecular consequence: missense variant.
Genome position (GRCh38, 1-based): chr20:8,717,743, T>C. VCF-style: chr20-8717743-T-C. GRCh37 (hg19) VCF-style: chr20-8698390-T-C.
Other names: c.1408T>C, p.Ser470Pro (NM_182734.3); short protein forms S470P.
Identifiers: ClinVar variation 1424665 (VCV001424665.8), dbSNP rs1208741312, ClinGen allele CA408201226.

ClinVar aggregate classification (germline): Uncertain significance (1 of 4 stars; one submission).

Conditions:
Developmental and epileptic encephalopathy, 12 (DEE12). Identifiers: MedGen C3150988, MONDO:0013389, OMIM 613722.

Submission:

Labcorp Genetics (formerly Invitae), Labcorp
Classification: Uncertain significance for Developmental and epileptic encephalopathy, 12. Last evaluated: 2022-01-12. Review status: criteria provided, single submitter. Criteria: Invitae Variant Classification Sherloc (09022015). Collection method: clinical testing. Allele origin: germline.
Comment: In summary, the available evidence is currently insufficient to determine the role of this variant in disease. Therefore, it has been classified as a Variant of Uncertain Significance. Algorithms developed to predict the effect of missense changes on protein structure and function (SIFT, PolyPhen-2, Align-GVGD) all suggest that this variant is likely to be tolerated. This variant has not been reported in the literature in individuals affected with PLCB1-related conditions. This variant is not present in population databases (gnomAD no frequency). This sequence change replaces serine, which is neutral and polar, with proline, which is neutral and non-polar, at codon 470 of the PLCB1 protein (p.Ser470Pro).